The following is an entry in ClinVar:

NM_001379270.1(CNGA1):c.805A>G (p.Asn269Asp)

Genes: CNGA1 (cyclic nucleotide gated channel subunit alpha 1; minus strand), LOC101927157 (uncharacterized LOC101927157; plus strand). Cytogenetic location: 4p12.
Variant type: single nucleotide variant.
Coding change: c.805A>G on transcript NM_001379270.1 (MANE Select); coding-DNA position 805, A replaced by G.
Protein change: p.Asn269Asp; replaces asparagine 269 with aspartic acid.
Molecular consequence: missense variant.
Genome position (GRCh38, 1-based): chr4:47,937,677, T>C on the plus strand (A>G on the coding strand, the complement: CNGA1 is on the minus strand). VCF-style: chr4-47937677-T-C. GRCh37 (hg19) VCF-style: chr4-47939694-T-C.
Other names: c.805A>G, p.Asn269Asp (NM_000087.5, NM_001142564.2); short protein forms N269D.
Identifiers: ClinVar variation 1405836 (VCV001405836.8), dbSNP rs1166285292, ClinGen allele CA356828152.

ClinVar aggregate classification (germline): Uncertain significance (1 of 4 stars; one submission).

Allele frequency attached by ClinVar (database versions not stated): gnomAD exomes below 0.00001; TOPMed below 0.00001.
gnomAD v4.1: 1 of 1,614,152 alleles (0.000062%); highest among the groups gnomAD compares: Admixed American, 0.0017%; no homozygotes.

Submission:

Labcorp Genetics (formerly Invitae), Labcorp
Classification: Uncertain significance. Last evaluated: 2026-01-17. Review status: criteria provided, single submitter. Criteria: Invitae Variant Classification Sherloc (09022015). Collection method: clinical testing. Allele origin: germline.
Comment: This sequence change replaces asparagine, which is neutral and polar, with aspartic acid, which is acidic and polar, at codon 273 of the CNGA1 protein (p.Asn273Asp). This variant is present in population databases (no rsID available, gnomAD 0.003%). This missense change has been observed in individual(s) with clinical features of retinitis pigmentosa (internal data). In at least one individual the data is consistent with being in trans (on the opposite chromosome) from a pathogenic variant. ClinVar contains an entry for this variant (Variation ID: 1405836). Invitae Evidence Modeling of protein sequence and biophysical properties (such as structural, functional, and spatial information, amino acid conservation, physicochemical variation, residue mobility, and thermodynamic stability) indicates that this missense variant is expected to disrupt CNGA1 protein function with a positive predictive value of 80%. In summary, the available evidence is currently insufficient to determine the role of this variant in disease. Therefore, it has been classified as a Variant of Uncertain Significance.